The following is an entry in ClinVar:

NM_001754.5(RUNX1):c.145C>A (p.Pro49Thr)

Gene: RUNX1 (RUNX family transcription factor 1; minus strand). Cytogenetic location: 21q22.12.
Variant type: single nucleotide variant.
Coding change: c.145C>A on transcript NM_001754.5 (MANE Select); coding-DNA position 145, C replaced by A.
Protein change: p.Pro49Thr; replaces proline 49 with threonine.
Molecular consequence: missense variant.
Genome position (GRCh38, 1-based): chr21:34,887,049, G>T on the plus strand (C>A on the coding strand, the complement: RUNX1 is on the minus strand). VCF-style: chr21-34887049-G-T. GRCh37 (hg19) VCF-style: chr21-36259346-G-T.
Other names: NM_001754.5(RUNX1):c.145C>A; p.Pro49Thr; c.64C>A, p.Pro22Thr (NM_001001890.3, NM_001122607.2); short protein forms P22T, P49T.
Identifiers: ClinVar variation 949338 (VCV000949338.9), dbSNP rs755793721, ClinGen allele CA320642967.

ClinVar aggregate classification (germline): Uncertain significance. Review status: reviewed by expert panel (3 of 4 stars). 3 submissions from 3 submitters: Uncertain significance (1). 2 of the submissions do not count toward it. Last evaluated 2024-07-11.

Conditions:
Hereditary thrombocytopenia and hematologic cancer predisposition syndrome. Identifiers: Orphanet 71290, MedGen CN281654, MONDO:0011071.
Hereditary thrombocytopenia and hematological cancer predisposition syndrome associated with RUNX1. Also called: PLATELET DISORDER, ASPIRIN-LIKE; Familial Platelet Disorder with Propensity to Acute Myelogenous Leukemia; Familial thrombocytopenia with propensity to acute myelogenous leukemia; RUNX1 Familial Platelet Disorder with Associated Myeloid Malignancies. Identifiers: Orphanet 71290, MedGen C1832388, MeSH C563324, MONDO:0100083, OMIM 601399.
Inborn genetic diseases. Identifiers: MedGen C0950123, MeSH D030342.

Allele frequency attached by ClinVar (database versions not stated): gnomAD 0.00001; TOPMed 0.00002.
gnomAD v4.1: 3 of 1,600,622 alleles (0.00019%); highest among the groups gnomAD compares: Non-Finnish European, 0.00025%; no homozygotes.

Submissions (3):

ClinGen Myeloid Malignancy Variant Curation Expert Panel
Classification: Uncertain significance for Hereditary thrombocytopenia and hematologic cancer predisposition syndrome. Last evaluated: 2024-07-11. Review status: reviewed by expert panel. Criteria: ClinGen MyeloMalig ACMG Specifications v2. Collection method: curation. Allele origin: germline. Inheritance: Autosomal dominant inheritance.
Comment: NM_001754.5(RUNX1):c.145C>A (p.Pro49Thr) is a missense variant which does not meet any ACMG/AMP criteria. In summary, the clinical significance of this variant is uncertain. ACMG/AMP criteria applied, as specified by the Myeloid Malignancy Variant Curation Expert Panel for RUNX1: None

Labcorp Genetics (formerly Invitae), Labcorp
Classification: Uncertain significance for Hereditary thrombocytopenia and hematological cancer predisposition syndrome associated with RUNX1. Last evaluated: 2025-07-31. Review status: criteria provided, single submitter. Criteria: Invitae Variant Classification Sherloc (09022015). Collection method: clinical testing. Allele origin: germline. Not counted in ClinVar's aggregate classification.
Comment: This sequence change replaces proline, which is neutral and non-polar, with threonine, which is neutral and polar, at codon 49 of the RUNX1 protein (p.Pro49Thr). This variant is not present in population databases (gnomAD no frequency). This variant has not been reported in the literature in individuals affected with RUNX1-related conditions. ClinVar contains an entry for this variant (Variation ID: 949338). Invitae Evidence Modeling of protein sequence and biophysical properties (such as structural, functional, and spatial information, amino acid conservation, physicochemical variation, residue mobility, and thermodynamic stability) has been performed for this missense variant. However, the output from this modeling did not meet the statistical confidence thresholds required to predict the impact of this variant on RUNX1 protein function. In summary, the available evidence is currently insufficient to determine the role of this variant in disease. Therefore, it has been classified as a Variant of Uncertain Significance.

Ambry Genetics
Classification: Uncertain significance for Inborn genetic diseases. Last evaluated: 2025-07-10. Review status: criteria provided, single submitter. Criteria: Ambry Variant Classification Scheme 2023. Collection method: clinical testing. Allele origin: germline. Not counted in ClinVar's aggregate classification.
Comment: The p.P49T variant (also known as c.145C>A), located in coding exon 3 of the RUNX1 gene, results from a C to A substitution at nucleotide position 145. The proline at codon 49 is replaced by threonine, an amino acid with highly similar properties. This amino acid position is highly conserved in available vertebrate species. In addition, the in silico prediction for this alteration is inconclusive. Based on the available evidence, the clinical significance of this variant remains unclear.